The following is an entry in ClinVar:

NM_004181.5(UCHL1):c.616G>A (p.Glu206Lys)

Gene: UCHL1 (ubiquitin C-terminal hydrolase L1; plus strand). Cytogenetic location: 4p13.
Variant type: single nucleotide variant.
Coding change: c.616G>A on transcript NM_004181.5 (MANE Select); coding-DNA position 616, G replaced by A.
Protein change: p.Glu206Lys; replaces glutamic acid 206 with lysine.
Molecular consequence: missense variant.
Genome position (GRCh38, 1-based): chr4:41,268,017, G>A. VCF-style: chr4-41268017-G-A. GRCh37 (hg19) VCF-style: chr4-41270034-G-A.
Other names: short protein forms E206K.
Identifiers: ClinVar variation 2277417 (VCV002277417.5), dbSNP rs779215950, ClinGen allele CA2900114.
Genomic context (GRCh38, chr4:41,268,017, plus strand): 5'-TTGGATTTTAATGACATTTCTCCTTTCCAGGACGCTGCCAAGGTCTGCAGAGAATTCACC[G>A]AGCGTGAGCAAGGAGAAGTCCGCTTCTCTGCCGTGGCTCTCTGCAAGGCAGCCTAATGCT-3'
Protein context (NP_004172.2, residues 196-216): DAAKVCREFT[Glu206Lys]REQGEVRFSA

ClinVar aggregate classification (germline): Uncertain significance. Review status: criteria provided, multiple submitters, no conflicts (2 of 4 stars). 2 submissions from 2 submitters: Uncertain significance (2). Last evaluated 2024-08-27.

Conditions:
Inborn genetic diseases. Identifiers: MedGen C0950123, MeSH D030342.

Allele frequency attached by ClinVar (database versions not stated): TOPMed 0.00002; gnomAD 0.00003; gnomAD exomes 0.00003; ExAC 0.00007.

Submissions (2):

Labcorp Genetics (formerly Invitae), Labcorp
Classification: Uncertain significance. Last evaluated: 2024-08-27. Review status: criteria provided, single submitter. Criteria: Invitae Variant Classification Sherloc (09022015). Collection method: clinical testing. Allele origin: germline.
Comment: This sequence change replaces glutamic acid, which is acidic and polar, with lysine, which is basic and polar, at codon 206 of the UCHL1 protein (p.Glu206Lys). This variant is present in population databases (rs779215950, gnomAD 0.03%). This variant has not been reported in the literature in individuals affected with UCHL1-related conditions. ClinVar contains an entry for this variant (Variation ID: 2277417). An algorithm developed to predict the effect of missense changes on protein structure and function (PolyPhen-2) suggests that this variant is likely to be disruptive. In summary, the available evidence is currently insufficient to determine the role of this variant in disease. Therefore, it has been classified as a Variant of Uncertain Significance.

Ambry Genetics
Classification: Uncertain significance for Inborn genetic diseases. Last evaluated: 2024-05-14. Review status: criteria provided, single submitter. Criteria: Ambry Variant Classification Scheme 2023. Collection method: clinical testing. Allele origin: germline.